The following is an entry in ClinVar:

ClinVar aggregate classification (germline): Uncertain significance (1 of 4 stars; one submission).

Conditions:
Gastrointestinal stromal tumor. Also called: Gastrointestinal stromal tumor, somatic; Gastrointestinal stroma tumor. Identifiers: Orphanet 44890, MedGen C0238198, MeSH D046152, MONDO:0011719, OMIM 606764, HP:0100723.

gnomAD v4.1: 1 of 1,614,044 alleles (0.000062%); highest among the groups gnomAD compares: Non-Finnish European, 0.000085%; no homozygotes.

Submission:

Labcorp Genetics (formerly Invitae), Labcorp
Classification: Uncertain significance for Gastrointestinal stromal tumor. Last evaluated: 2024-09-18. Review status: criteria provided, single submitter. Criteria: Invitae Variant Classification Sherloc (09022015). Collection method: clinical testing. Allele origin: germline.
Comment: This sequence change replaces isoleucine, which is neutral and non-polar, with methionine, which is neutral and non-polar, at codon 172 of the KIT protein (p.Ile172Met). This variant is not present in population databases (gnomAD no frequency). This variant has not been reported in the literature in individuals affected with KIT-related conditions. ClinVar contains an entry for this variant (Variation ID: 1925855). An algorithm developed to predict the effect of missense changes on protein structure and function (PolyPhen-2) suggests that this variant is likely to be disruptive. In summary, the available evidence is currently insufficient to determine the role of this variant in disease. Therefore, it has been classified as a Variant of Uncertain Significance.

NM_000222.3(KIT):c.516C>G (p.Ile172Met)

Gene: KIT (KIT proto-oncogene, receptor tyrosine kinase; plus strand). Cytogenetic location: 4q12.
Variant type: single nucleotide variant.
Coding change: c.516C>G on transcript NM_000222.3 (MANE Select); coding-DNA position 516, C replaced by G.
Protein change: p.Ile172Met; replaces isoleucine 172 with methionine.
Molecular consequence: missense variant.
Genome position (GRCh38, 1-based): chr4:54,698,462, C>G. VCF-style: chr4-54698462-C-G. GRCh37 (hg19) VCF-style: chr4-55564628-C-G.
Other names: c.516C>G, p.Ile172Met (NM_001093772.2, NM_001385284.1, NM_001385285.1 and 4 more transcripts); short protein forms I172M.
Identifiers: ClinVar variation 1925855 (VCV001925855.5), dbSNP rs1060504656, ClinGen allele CA356897755.